The following is an entry in ClinVar:

ClinVar aggregate classification (germline): Uncertain significance (1 of 4 stars; one submission).

Conditions:
NTRK2-related disorder. Also called: NTRK2-related condition.

Submission:

PreventionGenetics, part of Exact Sciences
Classification: Uncertain significance for NTRK2-related condition. Last evaluated: 2025-03-21. Review status: criteria provided, single submitter. Criteria: ACMG Guidelines, 2015. Collection method: clinical testing. Allele origin: germline.
Comment: The NTRK2 c.1628A>G variant is predicted to result in the amino acid substitution p.Asp543Gly. To our knowledge, this variant has not been reported in the literature or in a large population database (gnomAD), indicating this variant is rare. At this time, the clinical significance of this variant is uncertain due to the absence of conclusive functional and genetic evidence.

NM_006180.6(NTRK2):c.1628A>G (p.Asp543Gly)

Gene: NTRK2 (neurotrophic receptor tyrosine kinase 2; plus strand). Cytogenetic location: 9q21.33.
Variant type: single nucleotide variant.
Coding change: c.1628A>G on transcript NM_006180.6 (MANE Select); coding-DNA position 1628, A replaced by G.
Protein change: p.Asp543Gly; replaces aspartic acid 543 with glycine.
Molecular consequence: missense variant.
Genome position (GRCh38, 1-based): chr9:84,867,426, A>G. VCF-style: chr9-84867426-A-G. GRCh37 (hg19) VCF-style: chr9-87482341-A-G.
Other names: c.1580A>G, p.Asp527Gly (NM_001018064.3, NM_001018066.3, NM_001369532.1 and 2 more transcripts); c.1628A>G, p.Asp543Gly (NM_001018065.2, NM_001369537.1); c.1544A>G, p.Asp515Gly (NM_001369534.1); c.1112A>G, p.Asp371Gly (NM_001369535.1); c.1160A>G, p.Asp387Gly (NM_001369536.1); short protein forms D527G, D387G, D543G, D515G, D371G.
Identifiers: ClinVar variation 4996990 (VCV004996990.1).